The following is an entry in ClinVar:

ClinVar aggregate classification (germline): Likely benign (1 of 4 stars; one submission).

Allele frequency attached by ClinVar (database versions not stated): 1000 Genomes Project 30x 0.00219; gnomAD 0.00403; ESP Exome Variant Server 0.00431; ExAC 0.00522; gnomAD exomes 0.00574; 1000 Genomes Project 0.00280; TOPMed 0.00373.
gnomAD v4.1: 9,006 of 1,613,868 alleles (0.56%); highest among the groups gnomAD compares: South Asian, 0.66%; 42 homozygotes.

Submission:

CeGaT Center for Human Genetics Tuebingen
Classification: Likely benign. Last evaluated: 2026-06-01. Review status: criteria provided, single submitter. Criteria: CeGaT Center For Human Genetics Tuebingen Variant Classification Criteria Version 2. Collection method: clinical testing. Allele origin: germline. Affected: yes. Observed: 8 variant alleles.
Comment: NFE2L3: BP4, BS2; HNRNPA2B1: BS2

NM_004289.7(NFE2L3):c.1442G>A (p.Ser481Asn)

Genes: HNRNPA2B1 (heterogeneous nuclear ribonucleoprotein A2/B1; minus strand), NFE2L3 (NFE2 like bZIP transcription factor 3; plus strand). Cytogenetic location: 7p15.2.
Variant type: single nucleotide variant.
Coding change: c.1442G>A on transcript NM_004289.7 (MANE Select); coding-DNA position 1442, G replaced by A.
Protein change: p.Ser481Asn; replaces serine 481 with asparagine.
Molecular consequence: missense variant.
Genome position (GRCh38, 1-based): chr7:26,185,140, G>A. VCF-style: chr7-26185140-G-A. GRCh37 (hg19) VCF-style: chr7-26224760-G-A.
Other names: short protein forms S481N.
Identifiers: ClinVar variation 2657356 (VCV002657356.24), dbSNP rs148159120, ClinGen allele CA4194047.
Genomic context (GRCh38, chr7:26,185,140, plus strand): 5'-TAGAAGGTGCTGTAGGTGGCTACTACCCAGAACCCAGTAAGCTTTGTCACTTGGATCAAA[G>A]TGATTCTGATTTCCATGGAGATCTTACATTTCAACACGTATTTCATAACCACACTTACCA-3'
Protein context (NP_004280.5, residues 471-491): EPSKLCHLDQ[Ser481Asn]DSDFHGDLTF